The following is an entry in ClinVar:

NM_001142800.2(EYS):c.4843A>G (p.Thr1615Ala)

Gene: EYS (eyes shut homolog; minus strand). Cytogenetic location: 6q12.
Variant type: single nucleotide variant.
Coding change: c.4843A>G on transcript NM_001142800.2 (MANE Select); coding-DNA position 4843, A replaced by G.
Protein change: p.Thr1615Ala; replaces threonine 1615 with alanine.
Molecular consequence: missense variant.
Genome position (GRCh38, 1-based): chr6:64,591,024, T>C on the plus strand (A>G on the coding strand, the complement: EYS is on the minus strand). VCF-style: chr6-64591024-T-C. GRCh37 (hg19) VCF-style: chr6-65300917-T-C.
Other names: c.4843A>G, p.Thr1615Ala (NM_001292009.2); short protein forms T1615A.
Identifiers: ClinVar variation 1055223 (VCV001055223.3), dbSNP rs566502407, ClinGen allele CA140340931.
Genomic context (GRCh38, chr6:64,591,024, plus strand): 5'-TCTTTTTAGAAGGAAATAAAGATGGCACTTCTGTGAATGCCACTGATGGTGTTATTTCAG[T>C]AGCAGAAGAAAATGAATGCCCAGAAGTGATAGTTTGAGCTCCCATTAGTGCATACCAGCT-3'
Protein context (NP_001136272.1, residues 1605-1625): ITSGHSFSSA[Thr1615Ala]EITPSVAFTE

ClinVar aggregate classification (germline): Uncertain significance. Review status: criteria provided, single submitter (1 of 4 stars). 2 submissions from 2 submitters: Uncertain significance (1). 1 of the submissions does not count toward it. Last evaluated 2021-08-27.

Conditions:
Retinitis pigmentosa 25 (RP25). Identifiers: Orphanet 791, MedGen C1864446, MONDO:0011272, OMIM 602772.

Allele frequency attached by ClinVar (database versions not stated): gnomAD 0.00001; gnomAD exomes 0.00001; TOPMed 0.00001; 1000 Genomes Project 30x 0.00016; 1000 Genomes Project 0.00020.
gnomAD v4.1: 15 of 1,551,362 alleles (0.00097%); highest among the groups gnomAD compares: Non-Finnish European, 0.0013%; no homozygotes.

Submissions (2):

Labcorp Genetics (formerly Invitae), Labcorp
Classification: Uncertain significance. Last evaluated: 2021-08-27. Review status: criteria provided, single submitter. Criteria: Invitae Variant Classification Sherloc (09022015). Collection method: clinical testing. Allele origin: germline.
Comment: This sequence change replaces threonine with alanine at codon 1615 of the EYS protein (p.Thr1615Ala). The threonine residue is moderately conserved and there is a small physicochemical difference between threonine and alanine. This variant is not present in population databases (ExAC no frequency). This variant has not been reported in the literature in individuals affected with EYS-related conditions. Algorithms developed to predict the effect of missense changes on protein structure and function output the following: SIFT: "Tolerated"; PolyPhen-2: "Benign"; Align-GVGD: "Class C0". The alanine amino acid residue is found in multiple mammalian species, which suggests that this missense change does not adversely affect protein function. In summary, the available evidence is currently insufficient to determine the role of this variant in disease. Therefore, it has been classified as a Variant of Uncertain Significance.

Natera, Inc.
Classification: Uncertain significance for Retinitis pigmentosa type 25. Last evaluated: 2020-06-22. Review status: no assertion criteria provided. Collection method: clinical testing. Allele origin: germline. Not counted in ClinVar's aggregate classification.